The following is an entry in ClinVar:

ClinVar aggregate classification (germline): Uncertain significance. Review status: criteria provided, multiple submitters, no conflicts (2 of 4 stars). 4 submissions from 4 submitters: Uncertain significance (3). 1 of the submissions does not count toward it. Last evaluated 2025-06-14.

Conditions:
Brown-Vialetto-van Laere syndrome 2. Also called: SPINOCEREBELLAR ATAXIA WITH BLINDNESS AND DEAFNESS 2; Riboflavin transporter deficiency type 2. Identifiers: Orphanet 572543, Orphanet 97229, MedGen C3553538, MONDO:0013867, OMIM 614707.
SLC52A2-related disorder. Also called: SLC52A2-related condition.
Inborn genetic diseases. Identifiers: MedGen C0950123, MeSH D030342.

Allele frequency attached by ClinVar (database versions not stated): gnomAD exomes 0.00010 and 0.00004; gnomAD 0.00004 and 0.00003; ExAC 0.00006; TOPMed 0.00008.

Submissions (4):

GeneDx
Classification: Uncertain significance. Last evaluated: 2025-06-14. Review status: criteria provided, single submitter. Criteria: GeneDx Variant Classification Process June 2021. Collection method: clinical testing. Allele origin: germline. Affected: yes.
Comment: In silico analysis supports that this missense variant has a deleterious effect on protein structure/function; Has not been previously published as pathogenic or benign to our knowledge

Ambry Genetics
Classification: Uncertain significance for Inborn genetic diseases. Last evaluated: 2024-12-07. Review status: criteria provided, single submitter. Criteria: Ambry Variant Classification Scheme 2023. Collection method: clinical testing. Allele origin: germline.

Labcorp Genetics (formerly Invitae), Labcorp
Classification: Uncertain significance for Brown-Vialetto-van Laere syndrome 2. Last evaluated: 2024-11-11. Review status: criteria provided, single submitter. Criteria: Invitae Variant Classification Sherloc (09022015). Collection method: clinical testing. Allele origin: germline.
Comment: This sequence change replaces arginine, which is basic and polar, with tryptophan, which is neutral and slightly polar, at codon 145 of the SLC52A2 protein (p.Arg145Trp). This variant is present in population databases (rs781916346, gnomAD 0.07%). This variant has not been reported in the literature in individuals affected with SLC52A2-related conditions. ClinVar contains an entry for this variant (Variation ID: 949492). Invitae Evidence Modeling of protein sequence and biophysical properties (such as structural, functional, and spatial information, amino acid conservation, physicochemical variation, residue mobility, and thermodynamic stability) has been performed for this missense variant. However, the output from this modeling did not meet the statistical confidence thresholds required to predict the impact of this variant on SLC52A2 protein function. In summary, the available evidence is currently insufficient to determine the role of this variant in disease. Therefore, it has been classified as a Variant of Uncertain Significance.

PreventionGenetics, part of Exact Sciences
Classification: Uncertain significance for SLC52A2-related condition. Last evaluated: 2023-12-26. Review status: no assertion criteria provided. Collection method: clinical testing. Allele origin: germline. Not counted in ClinVar's aggregate classification.
Comment: The SLC52A2 c.433C>T variant is predicted to result in the amino acid substitution p.Arg145Trp. To our knowledge, this variant has not been reported in the literature. This variant is reported in 0.067% of alleles in individuals of Latino descent in gnomAD. Although we suspect that this variant may be benign, at this time, the clinical significance of this variant is uncertain due to the absence of conclusive functional and genetic evidence.

NM_001363118.2(SLC52A2):c.433C>T (p.Arg145Trp)

Gene: SLC52A2 (solute carrier family 52 member 2; plus strand). Cytogenetic location: 8q24.3.
Variant type: single nucleotide variant.
Coding change: c.433C>T on transcript NM_001363118.2 (MANE Select); coding-DNA position 433, C replaced by T.
Protein change: p.Arg145Trp; replaces arginine 145 with tryptophan.
Molecular consequence: missense variant. On other transcripts: non-coding transcript variant (1), intron variant (1).
Genome position (GRCh38, 1-based): chr8:144,359,925, C>T. VCF-style: chr8-144359925-C-T. GRCh37 (hg19) VCF-style: chr8-145583585-C-T.
Other names: c.433C>T, p.Arg145Trp (NM_001253815.2, NM_001253816.2, NM_001363120.2 and 2 more transcripts); c.131-190C>T (NM_001363122.2); c.433C>T (NM_001253816.1); short protein forms R145W.
Identifiers: ClinVar variation 949492 (VCV000949492.13), dbSNP rs781916346, ClinGen allele CA4938192.
Genomic context (GRCh38, chr8:144,359,925, plus strand): 5'-TGCTGTGCCTCGAATGTCACTTTCCTGCCCTTCTTGAGCCACCTGCCACCTCGCTTCTTA[C>T]GGTCATTCTTCCTGGGTCAAGGCCTGAGTGCCCTGCTGCCCTGCGTGCTGGCCCTAGTGC-3'
Protein context (NP_001350047.1, residues 135-155): FLSHLPPRFL[Arg145Trp]SFFLGQGLSA